The following is an entry in ClinVar:

ClinVar aggregate classification (germline): Uncertain significance. Review status: criteria provided, multiple submitters, no conflicts (2 of 4 stars). 2 submissions from 2 submitters: Uncertain significance (2). Last evaluated 2026-08-21.

Conditions:
BAZ2B-related disorder. Also called: BAZ2B-related condition.
Inborn genetic diseases. Identifiers: MedGen C0950123, MeSH D030342.

gnomAD v4.1: 1 of 1,614,038 alleles (0.000062%); no homozygotes.

Submissions (2):

PreventionGenetics, part of Exact Sciences
Classification: Uncertain significance for BAZ2B-related condition. Last evaluated: 2026-08-21. Review status: criteria provided, single submitter. Criteria: ACMG Guidelines, 2015. Collection method: clinical testing. Allele origin: germline.
Comment: The BAZ2B c.4312G>C variant is predicted to result in the amino acid substitution p.Glu1438Gln. To our knowledge, this variant has not been reported in the literature or in a large population database (gnomAD), indicating this variant is rare. At this time, the clinical significance of this variant is uncertain due to the absence of conclusive functional and genetic evidence.

Ambry Genetics
Classification: Uncertain significance for Inborn genetic diseases. Last evaluated: 2024-01-03. Review status: criteria provided, single submitter. Criteria: Ambry Variant Classification Scheme 2023. Collection method: clinical testing. Allele origin: germline.
Comment: The c.4420G>C (p.E1474Q) alteration is located in exon 28 (coding exon 26) of the BAZ2B gene. This alteration results from a G to C substitution at nucleotide position 4420, causing the glutamic acid (E) at amino acid position 1474 to be replaced by a glutamine (Q). This variant was not reported in population-based cohorts in the Genome Aggregation Database (gnomAD). This amino acid position is highly conserved in available vertebrate species. This alteration is predicted to be tolerated by in silico analysis. Based on insufficient or conflicting evidence, the clinical significance of this alteration remains unclear.

NM_013450.4(BAZ2B):c.4420G>C (p.Glu1474Gln)

Genes: BAZ2B (bromodomain adjacent to zinc finger domain 2B; minus strand), LOC126806390 (CDK7 strongly-dependent group 2 enhancer GRCh37_chr2:160205700-160206899; plus strand). Cytogenetic location: 2q24.2.
Variant type: single nucleotide variant.
Coding change: c.4420G>C on transcript NM_013450.4 (MANE Select); coding-DNA position 4420, G replaced by C.
Protein change: p.Glu1474Gln; replaces glutamic acid 1474 with glutamine.
Molecular consequence: missense variant.
Genome position (GRCh38, 1-based): chr2:159,350,151, C>G on the plus strand (G>C on the coding strand, the complement: BAZ2B is on the minus strand). VCF-style: chr2-159350151-C-G. GRCh37 (hg19) VCF-style: chr2-160206662-C-G.
Other names: c.4312G>C, p.Glu1438Gln (NM_001289975.1); c.4258G>C, p.Glu1420Gln (NM_001329857.2); c.4345G>C, p.Glu1449Gln (NM_001329858.2); short protein forms E1438Q, E1449Q, E1474Q, E1420Q.
Identifiers: ClinVar variation 3133101 (VCV003133101.2), dbSNP rs2058402191, ClinGen allele CA348930355.
Genomic context (GRCh38, chr2:159,350,151, plus strand): 5'-TTGCACCAGCATTTGGTTTGGGGGTCATAACCTCTGACTCAGGAGGCATCTTAGCTACTT[C>G]CAAAAGCTTGCTTAATTTGGAAAAAGAGCCAGGTTTCTGAAGGAATAGATTTGTGTTATC-3'
Protein context (NP_038478.2, residues 1464-1484): GSFSKLSKLL[Glu1474Gln]VAKMPPESEV